The following is an entry in ClinVar:

NM_001042492.3(NF1):c.2815A>G (p.Asn939Asp)

Gene: NF1 (neurofibromin 1; plus strand). Cytogenetic location: 17q11.2.
Variant type: single nucleotide variant.
Coding change: c.2815A>G on transcript NM_001042492.3 (MANE Select); coding-DNA position 2815, A replaced by G.
Protein change: p.Asn939Asp; replaces asparagine 939 with aspartic acid.
Molecular consequence: missense variant.
Genome position (GRCh38, 1-based): chr17:31,229,430, A>G. VCF-style: chr17-31229430-A-G. GRCh37 (hg19) VCF-style: chr17-29556448-A-G.
Other names: c.2815A>G, p.Asn939Asp (NM_000267.4); short protein forms N939D.
Identifiers: ClinVar variation 1796373 (VCV001796373.2), dbSNP rs2151429748, ClinGen allele CA398985763.

ClinVar aggregate classification (germline): Uncertain significance (1 of 4 stars; one submission).

Conditions:
Cardiovascular phenotype. Identifiers: MedGen CN230736.
Hereditary cancer-predisposing syndrome. Also called: Tumor predisposition; Hereditary Cancer Syndrome; Neoplastic Syndromes, Hereditary; Hereditary neoplastic syndrome. Identifiers: Orphanet 140162, MedGen C0027672, MeSH D009386, MONDO:0015356.

Submission:

Ambry Genetics
Classification: Uncertain significance for Cardiovascular phenotype; Hereditary cancer-predisposing syndrome. Last evaluated: 2020-03-25. Review status: criteria provided, single submitter. Criteria: Ambry Variant Classification Scheme 2023. Collection method: clinical testing. Allele origin: germline.
Comment: The p.N939D variant (also known as c.2815A>G), located in coding exon 21 of the NF1 gene, results from an A to G substitution at nucleotide position 2815. The asparagine at codon 939 is replaced by aspartic acid, an amino acid with highly similar properties. This amino acid position is well conserved in available vertebrate species. In addition, this alteration is predicted to be tolerated by in silico analysis. Since supporting evidence is limited at this time, the clinical significance of this alteration remains unclear.